The following is an entry in ClinVar:

NM_015166.4(MLC1):c.268T>G (p.Cys90Gly)

Gene: MLC1 (modulator of VRAC current 1; minus strand). Cytogenetic location: 22q13.33.
Variant type: single nucleotide variant.
Coding change: c.268T>G on transcript NM_015166.4 (MANE Select); coding-DNA position 268, T replaced by G.
Protein change: p.Cys90Gly; replaces cysteine 90 with glycine.
Molecular consequence: missense variant. On other transcripts: non-coding transcript variant (3), intron variant (2).
Genome position (GRCh38, 1-based): chr22:50,080,397, A>C on the plus strand (T>G on the coding strand, the complement: MLC1 is on the minus strand). VCF-style: chr22-50080397-A-C. GRCh37 (hg19) VCF-style: chr22-50518826-A-C.
Other names: c.268T>G, p.Cys90Gly (NM_001376472.1, NM_001376473.1, NM_001376474.1 and 7 more transcripts); c.178T>G, p.Cys60Gly (NM_001376480.1); c.31T>G, p.Cys11Gly (NM_001376484.1); c.267+2687T>G (NM_001376482.1, NM_001376483.1); short protein forms C11G, C60G, C90G.
Identifiers: ClinVar variation 3630000 (VCV003630000.1).

ClinVar aggregate classification (germline): Uncertain significance (1 of 4 stars; one submission).

Submission:

Women's Health and Genetics/Laboratory Corporation of America, LabCorp
Classification: Uncertain significance. Last evaluated: 2024-11-19. Review status: criteria provided, single submitter. Criteria: LabCorp Variant Classification Summary - May 2015. Collection method: clinical testing. Allele origin: germline.
Comment: Variant summary: MLC1 c.268T>G (p.Cys90Gly) results in a non-conservative amino acid change in the encoded protein sequence. Four of five in-silico tools predict a damaging effect of the variant on protein function. Consensus agreement among computation tools predict no significant impact on normal splicing. However, these predictions have yet to be confirmed by functional studies. The frequency data for this variant in gnomAD is considered unreliable, as metrics indicate poor data quality at this position. c.268T>G has been reported in the literature in a homozygous individual affected with Megalencephalic Leukoencephalopathy With Subcortical Cysts 1 (Kariminejad_2015). These data indicate that the variant may be associated with disease. To our knowledge, no experimental evidence demonstrating an impact on protein function has been reported. The following publication has been ascertained in the context of this evaluation (PMID: 25497041). No submitters have cited clinical-significance assessments for this variant to ClinVar. Based on the evidence outlined above, the variant was classified as VUS-possibly pathogenic.

Literature cited by the submitters: PubMed 25497041.